The following is an entry in ClinVar:

ClinVar aggregate classification (germline): Uncertain significance (1 of 4 stars; one submission).

Conditions:
Congenital insensitivity to pain-hypohidrosis syndrome. Also called: HSAN VIII; Neuropathy, hereditary sensory and autonomic, type VIII. Identifiers: Orphanet 478664, MedGen C4225308, MONDO:0014662, OMIM 616488.

Submission:

Labcorp Genetics (formerly Invitae), Labcorp
Classification: Uncertain significance for Congenital insensitivity to pain-hypohidrosis syndrome. Last evaluated: 2021-03-26. Review status: criteria provided, single submitter. Criteria: Invitae Variant Classification Sherloc (09022015). Collection method: clinical testing. Allele origin: germline.
Comment: In summary, the available evidence is currently insufficient to determine the role of this variant in disease. Therefore, it has been classified as a Variant of Uncertain Significance. Algorithms developed to predict the effect of sequence changes on RNA splicing suggest that this variant is not likely to affect RNA splicing, but this prediction has not been confirmed by published transcriptional studies. This variant has not been reported in the literature in individuals with PRDM12-related conditions. This variant is not present in population databases (ExAC no frequency). This sequence change affects codon 227 of the PRDM12 mRNA. It is a 'silent' change, meaning that it does not change the encoded amino acid sequence of the PRDM12 protein.

NM_021619.3(PRDM12):c.681T>C (p.His227=)

Gene: PRDM12 (PR/SET domain 12; plus strand). Cytogenetic location: 9q34.12.
Variant type: single nucleotide variant.
Coding change: c.681T>C on transcript NM_021619.3 (MANE Select); coding-DNA position 681, T replaced by C.
Protein change: p.His227=; no amino-acid change (histidine 227 retained).
Molecular consequence: synonymous variant.
Genome position (GRCh38, 1-based): chr9:130,678,639, T>C. VCF-style: chr9-130678639-T-C. GRCh37 (hg19) VCF-style: chr9-133554026-T-C.
Identifiers: ClinVar variation 1442165 (VCV001442165.8), dbSNP rs2132604435, ClinGen allele CA467390185.